The following is an entry in ClinVar:

ClinVar aggregate classification (germline): Conflicting classifications of pathogenicity. Review status: criteria provided, conflicting classifications (1 of 4 stars). 2 submissions from 2 submitters: Uncertain significance (1); Likely benign (1). Last evaluated 2025-04-25.

Allele frequency attached by ClinVar (database versions not stated): gnomAD exomes 0.00002; ExAC 0.00007; gnomAD 0.00020; TOPMed 0.00028; 1000 Genomes Project 30x 0.00042; 1000 Genomes Project 0.00053; ESP Exome Variant Server 0.00057.
gnomAD v4.1: 49 of 1,206,266 alleles (0.0041%); highest among the groups gnomAD compares: African/African-American, 0.077%; no homozygotes.

Submissions (2):

Ambry Genetics
Classification: Uncertain significance. Last evaluated: 2025-04-25. Review status: criteria provided, single submitter. Criteria: Ambry Variant Classification Scheme 2023. Collection method: clinical testing. Allele origin: germline.

CeGaT Center for Human Genetics Tuebingen
Classification: Likely benign. Last evaluated: 2022-11-01. Review status: criteria provided, single submitter. Criteria: CeGaT Center For Human Genetics Tuebingen Variant Classification Criteria Version 2. Collection method: clinical testing. Allele origin: germline. Affected: yes. Observed: 1 variant allele.
Comment: ZDHHC15: BS2

NM_144969.3(ZDHHC15):c.581G>A (p.Ser194Asn)

Gene: ZDHHC15 (zDHHC palmitoyltransferase 15; minus strand). Cytogenetic location: Xq13.3.
Variant type: single nucleotide variant.
Coding change: c.581G>A on transcript NM_144969.3 (MANE Select); coding-DNA position 581, G replaced by A.
Protein change: p.Ser194Asn; replaces serine 194 with asparagine.
Molecular consequence: missense variant.
Genome position (GRCh38, 1-based): chrX:75,429,100, C>T on the plus strand (G>A on the coding strand, the complement: ZDHHC15 is on the minus strand). VCF-style: chrX-75429100-C-T. GRCh37 (hg19) VCF-style: chrX-74648935-C-T.
Other names: c.554G>A, p.Ser185Asn (NM_001146256.2); short protein forms S194N, S185N.
Identifiers: ClinVar variation 2378041 (VCV002378041.26), dbSNP rs149832160, ClinGen allele CA10455915.
Genomic context (GRCh38, chrX:75,429,100, plus strand): 5'-TTTGTTCTAGGGGACCCTTCAGGATATTTTTAACTTACTCTCCAGTATTTGATGAAATAG[C>T]TGAAGACTGTCGTAGCAATGTACAGGCAGTAGAGAACAGAGTAAGCTAAGAATTGAAGGA-3'
Protein context (NP_659406.1, residues 184-204): YCLYIATTVF[Ser194Asn]YFIKYWRGEL